The following is an entry in ClinVar:

NM_000083.3(CLCN1):c.1063G>A (p.Gly355Arg)

Gene: CLCN1 (chloride voltage-gated channel 1; plus strand). Cytogenetic location: 7q34.
Variant type: single nucleotide variant.
Coding change: c.1063G>A on transcript NM_000083.3 (MANE Select); coding-DNA position 1063, G replaced by A.
Protein change: p.Gly355Arg; replaces glycine 355 with arginine.
Molecular consequence: missense variant. On other transcripts: non-coding transcript variant (1).
Genome position (GRCh38, 1-based): chr7:143,331,315, G>A. VCF-style: chr7-143331315-G-A. GRCh37 (hg19) VCF-style: chr7-143028408-G-A.
Other names: NM_000083.3(CLCN1):c.1063G>A; short protein forms G355R.
Identifiers: ClinVar variation 447043 (VCV000447043.17), dbSNP rs767000881, ClinGen allele CA4537214.

ClinVar aggregate classification (germline): Pathogenic/Likely pathogenic. Review status: criteria provided, multiple submitters, no conflicts (2 of 4 stars). 7 submissions from 7 submitters: Pathogenic (5); Likely pathogenic (2). Last evaluated 2026-01-13.

Conditions:
Skeletal muscle channelopathy.
CLCN1-related disorder. Also called: CLCN1-related condition.
Congenital myotonia, autosomal recessive form. Also called: myotonia congenita, autosomal recessive; BECKER DISEASE; Becker Generalized Myotonia. Identifiers: Orphanet 614, MedGen C0751360, MONDO:0009715, OMIM 255700.
Congenital myotonia, autosomal dominant form (THD). Also called: THOMSEN DISEASE; Myotonia congenita autosomal dominant. Identifiers: Orphanet 614, MedGen C2936781, MONDO:0008055, OMIM 160800.

Allele frequency attached by ClinVar (database versions not stated): gnomAD 0.00001; gnomAD exomes 0.00001 and 0.00002; ExAC 0.00002; TOPMed 0.00002.
gnomAD v4.1: 14 of 1,600,656 alleles (0.00087%); highest among the groups gnomAD compares: Admixed American, 0.0033%; no homozygotes.

Submissions (7):

Genetics Laboratory, Great Ormond Street Hospital NHS Foundation Trust, North Thames Genomic Laboratory Hub
Classification: Pathogenic for Skeletal muscle channelopathy. Last evaluated: 2026-01-13. Review status: criteria provided, single submitter. Criteria: ACGS Best Practice Guidelines for Variant Classification in Rare Disease 2024 v1.2. Collection method: clinical testing. Allele origin: germline. Affected: yes.
Comment: PM2_moderate, PP3_supporting, PM5_moderate, PS3_strong, PM3_very-strong

Greenwood Genetic Center Diagnostic Laboratories, Greenwood Genetic Center
Classification: Pathogenic for CLCN1-related disorder. Last evaluated: 2025-04-10. Review status: criteria provided, single submitter. Criteria: ACMG Guidelines, 2015. Collection method: clinical testing. Allele origin: germline. Affected: yes.
Comment: PS1, PS3, PM2, PM3_Strong

Athena Diagnostics
Classification: Pathogenic. Last evaluated: 2025-03-31. Review status: criteria provided, single submitter. Criteria: Athena Diagnostics Criteria. Collection method: clinical testing. Allele origin: unknown.
Comment: The frequency of this variant in the general population is consistent with pathogenicity. Assessment of experimental evidence suggests this variant results in abnormal protein function. (PMID: 23933576, 33670307) In multiple individuals, this variant has been seen with a single recessive pathogenic variant in the same gene, suggesting this variant may also be pathogenic. Polyphen and MutationTaster predict this amino acid change may be damaging to the protein.

Labcorp Genetics (formerly Invitae), Labcorp
Classification: Pathogenic for Congenital myotonia, autosomal recessive form; Congenital myotonia, autosomal dominant form. Last evaluated: 2024-07-20. Review status: criteria provided, single submitter. Criteria: Invitae Variant Classification Sherloc (09022015). Collection method: clinical testing. Allele origin: germline.
Comment: This sequence change replaces glycine, which is neutral and non-polar, with arginine, which is basic and polar, at codon 355 of the CLCN1 protein (p.Gly355Arg). This variant is present in population databases (rs767000881, gnomAD 0.003%). This missense change has been observed in individuals with autosomal recessive myotonia congenita (PMID: 19949657, 20181190, 21221019, 28427807; Invitae). ClinVar contains an entry for this variant (Variation ID: 447043). An algorithm developed to predict the effect of missense changes on protein structure and function (PolyPhen-2) suggests that this variant is likely to be disruptive. Experimental studies have shown that this missense change affects CLCN1 function (PMID: 23933576). This variant disrupts the p.Gly355 amino acid residue in CLCN1. Other variant(s) that disrupt this residue have been observed in individuals with CLCN1-related conditions (PMID: 18337100), which suggests that this may be a clinically significant amino acid residue. For these reasons, this variant has been classified as Pathogenic.

Fulgent Genetics
Classification: Likely pathogenic for Congenital myotonia, autosomal dominant form; Congenital myotonia, autosomal recessive form. Last evaluated: 2024-03-08. Review status: criteria provided, single submitter. Criteria: ACMG Guidelines, 2015. Collection method: clinical testing. Allele origin: germline.

Broad Center for Mendelian Genomics, Broad Institute of MIT and Harvard
Classification: Likely pathogenic for Congenital myotonia, autosomal recessive form. Last evaluated: 2022-05-04. Review status: criteria provided, single submitter. Criteria: ACMG Guidelines, 2015. Collection method: curation. Allele origin: germline. Inheritance: Autosomal recessive inheritance.
Comment: The homozygous p.Gly355Arg variant in CLCN1 was identified by our study in 2 siblings with autosomal recessive myotonia congenita. The variant has been reported in at least 3 individuals of European and unknown ethnicity with autosomal recessive myotonia congenita (PMID: 20181190, 21221019, 9736066), and has been identified in 0.003% (1/34588) of Latino chromosomes by the Genome Aggregation Database (gnomAD; dbSNP ID: rs767000881). Although this variant has been seen in the general population, its frequency is low enough to be consistent with a recessive carrier frequency. This variant has also been reported in ClinVar (Variation ID: 447043) as pathogenic by Athena Diagnostics Inc and Invitae. In vitro functional studies provide some evidence that the p.Gly355Arg variant may slightly impact protein function (PMID: 23933576). However, these types of assays may not accurately represent biological function. Computational prediction tools and conservation analyses suggest that this variant may impact the protein, though this information is not predictive enough to determine pathogenicity. The presence of this variant in 1 affected homozygote, in combination with a reported variant of uncertain significance, and in at least 3 individuals with autosomal recessive myotonia congenita increases the likelihood that the p.Gly355Arg variant is pathogenic (VariationID: 209138; PMID: 9736066, 21221019). In summary, although additional studies are required to fully establish its clinical significance, this variant is likely pathogenic. ACMG/AMP Criteria applied: PM2, PM3, PP3, PS3_supporting (Richards 2015).

MGZ Medical Genetics Center
Classification: Pathogenic for Congenital myotonia, autosomal recessive form. Last evaluated: 2021-12-06. Review status: criteria provided, single submitter. Criteria: ACMG Guidelines, 2015. Collection method: clinical testing. Allele origin: germline. Affected: yes. Observed: 1 variant allele.
Comment: ACMG criteria applied: PS3, PS4_MOD, PM3, PM5, PM2_SUP, PP3

Literature cited by the submitters: PubMed 33670307 (cited by Athena Diagnostics); PubMed 36540316 (cited by Athena Diagnostics); PubMed 23739125 (cited by Athena Diagnostics); PubMed 28427807 (cited by Athena Diagnostics and Labcorp Genetics (formerly Invitae), Labcorp); PubMed 29606556 (cited by Athena Diagnostics); PubMed 23933576 (cited by Athena Diagnostics and Labcorp Genetics (formerly Invitae), Labcorp); PubMed 19949657 (cited by Athena Diagnostics and Labcorp Genetics (formerly Invitae), Labcorp); PubMed 20181190 (cited by Athena Diagnostics and Labcorp Genetics (formerly Invitae), Labcorp); PubMed 9736066 (cited by Athena Diagnostics); PubMed 21221019 (cited by Athena Diagnostics and Labcorp Genetics (formerly Invitae), Labcorp); PubMed 18337100 (cited by Labcorp Genetics (formerly Invitae), Labcorp).